The following is an entry in ClinVar:

ClinVar aggregate classification (germline): Uncertain significance (1 of 4 stars; one submission).

Conditions:
Catecholaminergic polymorphic ventricular tachycardia (CVPT). Also called: Catecholamine-induced polymorphic ventricular tachycardia. Identifiers: Orphanet 3286, MedGen C5574922, MONDO:0017990.

Submission:

All of Us Research Program, National Institutes of Health
Classification: Uncertain significance for Catecholaminergic polymorphic ventricular tachycardia. Last evaluated: 2023-04-03. Review status: criteria provided, single submitter. Criteria: ACMG Guidelines, 2015. Collection method: clinical testing. Allele origin: germline. Inheritance: Autosomal dominant inheritance. Observed: 1 variant allele, 1 heterozygote.
Comment: This missense variant replaces aspartic acid with alanine at codon 2707 of the RYR2 protein. Computational prediction suggests that this variant may have deleterious impact on protein structure and function (internally defined REVEL score threshold >= 0.7, PMID: 27666373). To our knowledge, functional studies have not been reported for this variant. This variant has not been reported in individuals affected with RYR2-related disorders in the literature. This variant has not been identified in the general population by the Genome Aggregation Database (gnomAD). The available evidence is insufficient to determine the role of this variant in disease conclusively. Therefore, this variant is classified as a Variant of Uncertain Significance.

This study involves interpretation of variants in research participants for the purpose of population health screening. Participant phenotype was not available at the time of variant classification. Additional details can be found in publication PMID: 35346344, PMCID: PMC8962531

NM_001035.3(RYR2):c.8120A>C (p.Asp2707Ala)

Gene: RYR2 (ryanodine receptor 2; plus strand). Cytogenetic location: 1q43.
Variant type: single nucleotide variant.
Coding change: c.8120A>C on transcript NM_001035.3 (MANE Select); coding-DNA position 8120, A replaced by C.
Protein change: p.Asp2707Ala; replaces aspartic acid 2707 with alanine.
Molecular consequence: missense variant.
Genome position (GRCh38, 1-based): chr1:237,655,975, A>C. VCF-style: chr1-237655975-A-C. GRCh37 (hg19) VCF-style: chr1-237819275-A-C.
Other names: short protein forms D2707A.
Identifiers: ClinVar variation 3070288 (VCV003070288.1), dbSNP rs1683206457, ClinGen allele CA345401071.